The following is an entry in ClinVar:

NM_004415.4(DSP):c.4684T>C (p.Ser1562Pro)

Gene: DSP (desmoplakin; plus strand). Cytogenetic location: 6p24.3.
Variant type: single nucleotide variant.
Coding change: c.4684T>C on transcript NM_004415.4 (MANE Select); coding-DNA position 4684, T replaced by C.
Protein change: p.Ser1562Pro; replaces serine 1562 with proline.
Molecular consequence: missense variant. On other transcripts: intron variant (2).
Genome position (GRCh38, 1-based): chr6:7,580,874, T>C. VCF-style: chr6-7580874-T-C. GRCh37 (hg19) VCF-style: chr6-7581107-T-C.
Other names: p.Ser1562Pro; c.4684T>C (LRG_423t1); c.4050+634T>C (NM_001319034.2); c.3582+1102T>C (NM_001008844.3); short protein forms S1562P.
Identifiers: ClinVar variation 568035 (VCV000568035.15), dbSNP rs1394590334, ClinGen allele CA362686932.

ClinVar aggregate classification (germline): Uncertain significance. Review status: criteria provided, multiple submitters, no conflicts (2 of 4 stars). 5 submissions from 5 submitters: Uncertain significance (5). Last evaluated 2024-09-19.

Conditions:
Cardiomyopathy (CMYO). Also called: Cardiomyopathies. Identifiers: Orphanet 167848, MedGen C0878544, MONDO:0004994, HP:0001638. Inheritance: Various modes of inheritance.
Arrhythmogenic cardiomyopathy with wooly hair and keratoderma. Also called: Arrhythmogenic cardiomyopathy with woolly hair and keratoderma; PALMOPLANTAR KERATODERMA WITH LEFT VENTRICULAR CARDIOMYOPATHY AND WOOLLY HAIR; Carvajal syndrome; Dilated cardiomyopathy with woolly hair and keratoderma. Identifiers: Orphanet 65282, MedGen C1854063, MONDO:0011581, OMIM 605676.
Arrhythmogenic right ventricular dysplasia 8 (ARVD8). Also called: ARRHYTHMOGENIC RIGHT VENTRICULAR DYSPLASIA, FAMILIAL, 8; ARRHYTHMOGENIC RIGHT VENTRICULAR CARDIOMYOPATHY 8; Arrhythmogenic Right Ventricular Dysplasia/Cardiomyopathy 8. Identifiers: MedGen C1843896, MONDO:0011831, OMIM 607450.

Allele frequency attached by ClinVar (database versions not stated): gnomAD exomes below 0.00001; gnomAD 0.00001; TOPMed 0.00001.
gnomAD v4.1: 7 of 1,613,924 alleles (0.00043%); highest among the groups gnomAD compares: African/African-American, 0.004%; no homozygotes.

Submissions (5):

Labcorp Genetics (formerly Invitae), Labcorp
Classification: Uncertain significance for Arrhythmogenic cardiomyopathy with wooly hair and keratoderma; Arrhythmogenic right ventricular dysplasia 8. Last evaluated: 2024-09-19. Review status: criteria provided, single submitter. Criteria: Invitae Variant Classification Sherloc (09022015). Collection method: clinical testing. Allele origin: germline.
Comment: This sequence change replaces serine, which is neutral and polar, with proline, which is neutral and non-polar, at codon 1562 of the DSP protein (p.Ser1562Pro). This variant is present in population databases (no rsID available, gnomAD 0.007%). This variant has not been reported in the literature in individuals affected with DSP-related conditions. ClinVar contains an entry for this variant (Variation ID: 568035). An algorithm developed to predict the effect of missense changes on protein structure and function (PolyPhen-2) suggests that this variant¬¨‚Ä†is likely to be tolerated. In summary, the available evidence is currently insufficient to determine the role of this variant in disease. Therefore, it has been classified as a Variant of Uncertain Significance.

Mayo Clinic Laboratories, Mayo Clinic
Classification: Uncertain significance. Last evaluated: 2024-03-12. Review status: criteria provided, single submitter. Criteria: ACMG Guidelines, 2015. Collection method: clinical testing. Allele origin: germline. Observed: 1 variant allele.

Color Diagnostics, LLC DBA Color Health
Classification: Uncertain significance for Cardiomyopathy. Last evaluated: 2024-03-07. Review status: criteria provided, single submitter. Criteria: ACMG Guidelines, 2015. Collection method: clinical testing. Allele origin: germline.
Comment: This missense variant replaces serine with proline at codon 1562 of the DSP protein. Computational prediction suggests that this variant may not impact protein structure and function (internally defined REVEL score threshold <= 0.5, PMID: 27666373). To our knowledge, functional studies have not been reported for this variant. This variant has not been reported in individuals affected with cardiovascular disorders in the literature. This variant has been identified in 1/250346 chromosomes in the general population by the Genome Aggregation Database (gnomAD). The available evidence is insufficient to determine the role of this variant in disease conclusively. Therefore, this variant is classified as a Variant of Uncertain Significance.

All of Us Research Program, National Institutes of Health
Classification: Uncertain significance for Arrhythmogenic cardiomyopathy with wooly hair and keratoderma. Last evaluated: 2023-11-30. Review status: criteria provided, single submitter. Criteria: ACMG Guidelines, 2015. Collection method: clinical testing. Allele origin: germline. Inheritance: Autosomal dominant inheritance. Observed: 2 variant alleles, 2 heterozygotes.
Comment: This missense variant replaces serine with proline at codon 1562 of the DSP protein. Computational prediction suggests that this variant may not impact protein structure and function (internally defined REVEL score threshold <= 0.5, PMID: 27666373). To our knowledge, functional studies have not been reported for this variant. This variant has not been reported in individuals affected with cardiovascular disorders in the literature. This variant has been identified in 1/250346 chromosomes in the general population by the Genome Aggregation Database (gnomAD). The available evidence is insufficient to determine the role of this variant in disease conclusively. Therefore, this variant is classified as a Variant of Uncertain Significance.

This study involves interpretation of variants in research participants for the purpose of population health screening. Participant phenotype was not available at the time of variant classification. Additional details can be found in publication PMID: 35346344, PMCID: PMC8962531

Human Genome Sequencing Center Clinical Lab, Baylor College of Medicine
Classification: Uncertain significance for Arrhythmogenic right ventricular dysplasia, type 8. Review status: criteria provided, single submitter. Criteria: ACMG Guidelines, 2015. Collection method: clinical testing. Allele origin: germline.